The following is an entry in ClinVar:

ClinVar aggregate classification (germline): Uncertain significance. Review status: criteria provided, multiple submitters, no conflicts (2 of 4 stars). 3 submissions from 3 submitters: Uncertain significance (3). Last evaluated 2026-01-12.

Conditions:
Hereditary cancer-predisposing syndrome. Also called: Tumor predisposition; Neoplastic Syndromes, Hereditary; Hereditary Cancer Syndrome; Hereditary neoplastic syndrome. Identifiers: Orphanet 140162, MedGen C0027672, MeSH D009386, MONDO:0015356.
Ataxia-telangiectasia syndrome (AT). Also called: Ataxia-telangiectasia; Ataxia-telangiectasia, complementation group D; AT, COMPLEMENTATION GROUP C; LOUIS-BAR SYNDROME; Cerebello-oculocutaneous telangiectasia; Immunodeficiency with ataxia telangiectasia. Identifiers: Orphanet 100, MedGen C0004135, MONDO:0008840, OMIM 208900.
Familial cancer of breast. Also called: BREAST CANCER, FAMILIAL; hereditary breast carcinoma; Hereditary breast cancer. Identifiers: Orphanet 227535, MedGen C0346153, MONDO:0016419, OMIM 114480. Disease mechanism: loss of function.

Submissions (3):

Labcorp Genetics (formerly Invitae), Labcorp
Classification: Uncertain significance for Ataxia-telangiectasia syndrome. Last evaluated: 2026-01-12. Review status: criteria provided, single submitter. Criteria: Invitae Variant Classification Sherloc (09022015). Collection method: clinical testing. Allele origin: germline.
Comment: This sequence change replaces valine, which is neutral and non-polar, with alanine, which is neutral and non-polar, at codon 849 of the ATM protein (p.Val849Ala). This variant is not present in population databases (gnomAD no frequency). This variant has not been reported in the literature in individuals affected with ATM-related conditions. ClinVar contains an entry for this variant (Variation ID: 490475). Invitae Evidence Modeling of protein sequence and biophysical properties (such as structural, functional, and spatial information, amino acid conservation, physicochemical variation, residue mobility, and thermodynamic stability) indicates that this missense variant is not expected to disrupt ATM protein function with a negative predictive value of 95%. In summary, the available evidence is currently insufficient to determine the role of this variant in disease. Therefore, it has been classified as a Variant of Uncertain Significance.

Ambry Genetics
Classification: Uncertain significance for Hereditary cancer-predisposing syndrome. Last evaluated: 2024-02-26. Review status: criteria provided, single submitter. Criteria: Ambry Variant Classification Scheme 2023. Collection method: clinical testing. Allele origin: germline.
Comment: The p.V849A variant (also known as c.2546T>C), located in coding exon 16 of the ATM gene, results from a T to C substitution at nucleotide position 2546. The valine at codon 849 is replaced by alanine, an amino acid with similar properties. This amino acid position is conserved. In addition, this alteration is predicted to be tolerated by in silico analysis. Since supporting evidence is limited at this time, the clinical significance of this alteration remains unclear.

Color Diagnostics, LLC DBA Color Health
Classification: Uncertain significance for Hereditary cancer-predisposing syndrome. Last evaluated: 2023-12-05. Review status: criteria provided, single submitter. Criteria: ACMG Guidelines, 2015. Collection method: clinical testing. Allele origin: germline.
Comment: This missense variant replaces valine with alanine at codon 849 of the ATM protein. Computational prediction suggests that this variant may not impact protein structure and function (internally defined REVEL score threshold <= 0.5, PMID: 27666373). To our knowledge, functional studies have not been reported for this variant. This variant has not been reported in individuals affected with ATM-related disorders in the literature. This variant has not been identified in the general population by the Genome Aggregation Database (gnomAD). The available evidence is insufficient to determine the role of this variant in disease conclusively. Therefore, this variant is classified as a Variant of Uncertain Significance.

NM_000051.4(ATM):c.2546T>C (p.Val849Ala)

Gene: ATM (ATM serine/threonine kinase; plus strand). Cytogenetic location: 11q22.3.
Variant type: single nucleotide variant.
Coding change: c.2546T>C on transcript NM_000051.4 (MANE Select); coding-DNA position 2546, T replaced by C.
Protein change: p.Val849Ala; replaces valine 849 with alanine.
Molecular consequence: missense variant.
Genome position (GRCh38, 1-based): chr11:108,267,250, T>C. VCF-style: chr11-108267250-T-C. GRCh37 (hg19) VCF-style: chr11-108137977-T-C.
Other names: c.2546T>C, p.Val849Ala (NM_001351834.2); short protein forms V849A.
Identifiers: ClinVar variation 490475 (VCV000490475.17), dbSNP rs1555082209, ClinGen allele CA382543683.